The following is an entry in ClinVar:

ClinVar aggregate classification (germline): Uncertain significance. Review status: criteria provided, multiple submitters, no conflicts (2 of 4 stars). 2 submissions from 2 submitters: Uncertain significance (2). Last evaluated 2022-07-12.

Conditions:
Nemaline myopathy 2 (NEM2). Also called: Nemaline myopathy 2, autosomal recessive. Identifiers: MedGen C1850569, MONDO:0009725, OMIM 256030.

Allele frequency attached by ClinVar (database versions not stated): gnomAD exomes below 0.00001.
gnomAD v4.1: 1 of 1,613,256 alleles (0.000062%); highest among the groups gnomAD compares: South Asian, 0.0011%; no homozygotes.

Submissions (2):

Labcorp Genetics (formerly Invitae), Labcorp
Classification: Uncertain significance for Nemaline myopathy 2. Last evaluated: 2022-07-12. Review status: criteria provided, single submitter. Criteria: Invitae Variant Classification Sherloc (09022015). Collection method: clinical testing. Allele origin: germline.
Comment: In summary, the available evidence is currently insufficient to determine the role of this variant in disease. Therefore, it has been classified as a Variant of Uncertain Significance. Algorithms developed to predict the effect of missense changes on protein structure and function are either unavailable or do not agree on the potential impact of this missense change (SIFT: "Deleterious"; PolyPhen-2: "Not Available"; Align-GVGD: "Class C0"). ClinVar contains an entry for this variant (Variation ID: 95140). This missense change has been observed in individual(s) with clinical features of nemaline myopathy (Invitae). In at least one individual the data is consistent with being in trans (on the opposite chromosome) from a pathogenic variant. This variant is not present in population databases (gnomAD no frequency). This sequence change replaces serine, which is neutral and polar, with proline, which is neutral and non-polar, at codon 2785 of the NEB protein (p.Ser2785Pro).

Eurofins Ntd Llc (ga)
Classification: Uncertain significance. Last evaluated: 2013-09-25. Review status: criteria provided, single submitter. Criteria: EGL Classification Definitions 2015. Collection method: clinical testing. Allele origin: germline. Observed: 1 variant allele, 1 heterozygote.

NM_001164508.2(NEB):c.8353T>C (p.Ser2785Pro)

Gene: NEB (nebulin; minus strand). Cytogenetic location: 2q23.3.
Variant type: single nucleotide variant.
Coding change: c.8353T>C on transcript NM_001164508.2 (MANE Select); coding-DNA position 8353, T replaced by C.
Protein change: p.Ser2785Pro; replaces serine 2785 with proline.
Molecular consequence: missense variant.
Genome position (GRCh38, 1-based): chr2:151,642,594, A>G on the plus strand (T>C on the coding strand, the complement: NEB is on the minus strand). VCF-style: chr2-151642594-A-G. GRCh37 (hg19) VCF-style: chr2-152499108-A-G.
Other names: c.8353T>C, p.Ser2785Pro (NM_001164507.2, NM_001271208.2, NM_004543.5); short protein forms S2785P.
Identifiers: ClinVar variation 95140 (VCV000095140.13), dbSNP rs398124173, ClinGen allele CA222769.